The following is an entry in ClinVar:

ClinVar aggregate classification (germline): Conflicting classifications of pathogenicity. Review status: criteria provided, conflicting classifications (1 of 4 stars). 4 submissions from 4 submitters: Uncertain significance (2); Likely benign (1). 1 of the submissions does not count toward it. Last evaluated 2023-10-24.

Conditions:
Cardiovascular phenotype. Identifiers: MedGen CN230736.
Alstrom syndrome (ALMS). Identifiers: Orphanet 64, MedGen C0268425, MONDO:0008763, OMIM 203800.

Allele frequency attached by ClinVar (database versions not stated): gnomAD 0.00001; TOPMed 0.00001; gnomAD exomes 0.00002.
gnomAD v4.1: 32 of 1,613,818 alleles (0.002%); highest among the groups gnomAD compares: Non-Finnish European, 0.0026%; no homozygotes.

Submissions (4):

Ambry Genetics
Classification: Likely benign for Cardiovascular phenotype. Last evaluated: 2023-10-24. Review status: criteria provided, single submitter. Criteria: Ambry Variant Classification Scheme 2023. Collection method: clinical testing. Allele origin: germline.

Fulgent Genetics
Classification: Uncertain significance for Alstrom syndrome. Last evaluated: 2021-12-29. Review status: criteria provided, single submitter. Criteria: ACMG Guidelines, 2015. Collection method: clinical testing. Allele origin: unknown.

Labcorp Genetics (formerly Invitae), Labcorp
Classification: Uncertain significance for Alstrom syndrome. Last evaluated: 2021-08-23. Review status: criteria provided, single submitter. Criteria: Invitae Variant Classification Sherloc (09022015). Collection method: clinical testing. Allele origin: germline.
Comment: This sequence change replaces serine with proline at codon 842 of the ALMS1 protein (p.Ser842Pro). The serine residue is weakly conserved and there is a moderate physicochemical difference between serine and proline. This variant is not present in population databases (ExAC no frequency). This variant has not been reported in the literature in individuals affected with ALMS1-related conditions. ClinVar contains an entry for this variant (Variation ID: 552674). Algorithms developed to predict the effect of missense changes on protein structure and function output the following: SIFT: "Not Available"; PolyPhen-2: "Not Available"; Align-GVGD: "Not Available". The proline amino acid residue is found in multiple mammalian species, which suggests that this missense change does not adversely affect protein function. In summary, the available evidence is currently insufficient to determine the role of this variant in disease. Therefore, it has been classified as a Variant of Uncertain Significance.

Counsyl
Classification: Uncertain significance for Alstrom syndrome. Last evaluated: 2017-06-28. Review status: no assertion criteria provided. Collection method: clinical testing. Allele origin: unknown. Not counted in ClinVar's aggregate classification.

NM_001378454.1(ALMS1):c.2521T>C (p.Ser841Pro)

Gene: ALMS1 (ALMS1 centrosome and basal body associated protein; plus strand). Cytogenetic location: 2p13.1.
Variant type: single nucleotide variant.
Coding change: c.2521T>C on transcript NM_001378454.1 (MANE Select); coding-DNA position 2521, T replaced by C.
Protein change: p.Ser841Pro; replaces serine 841 with proline.
Molecular consequence: missense variant.
Genome position (GRCh38, 1-based): chr2:73,449,048, T>C. VCF-style: chr2-73449048-T-C. GRCh37 (hg19) VCF-style: chr2-73676175-T-C.
Other names: c.2524T>C, p.Ser842Pro (NM_015120.4); short protein forms S842P, S841P.
Identifiers: ClinVar variation 552674 (VCV000552674.5), dbSNP rs949198387, ClinGen allele CA50391708.
Genomic context (GRCh38, chr2:73,449,048, plus strand): 5'-TACCAACAGGCCTTGCTGGACAGCCATCTACCCGAAGAGGCTCTGAAAGTTTCAGCTGTT[T>C]CTGGACCAGCTGACGGAAAGACTGGGACACCAGCTGTAACCTCTACTTCCTCTGCGTCCT-3'
Protein context (NP_001365383.1, residues 831-851): PEEALKVSAV[Ser841Pro]GPADGKTGTP